The following is an entry in ClinVar:

NM_018082.6(POLR3B):c.1809G>T (p.Lys603Asn)

Gene: POLR3B (RNA polymerase III subunit B; plus strand). Cytogenetic location: 12q23.3.
Variant type: single nucleotide variant.
Coding change: c.1809G>T on transcript NM_018082.6 (MANE Select); coding-DNA position 1809, G replaced by T.
Protein change: p.Lys603Asn; replaces lysine 603 with asparagine.
Molecular consequence: missense variant.
Genome position (GRCh38, 1-based): chr12:106,437,084, G>T. VCF-style: chr12-106437084-G-T. GRCh37 (hg19) VCF-style: chr12-106830862-G-T.
Other names: c.1635G>T, p.Lys545Asn (NM_001160708.2); short protein forms K603N, K545N.
Identifiers: ClinVar variation 2455877 (VCV002455877.3), dbSNP rs1173248801, ClinGen allele CA386390433.

ClinVar aggregate classification (germline): Uncertain significance. Review status: criteria provided, multiple submitters, no conflicts (2 of 4 stars). 2 submissions from 2 submitters: Uncertain significance (2). Last evaluated 2025-07-14.

Conditions:
Inborn genetic diseases. Identifiers: MedGen C0950123, MeSH D030342.

Allele frequency attached by ClinVar (database versions not stated): gnomAD exomes 0.00001; TOPMed 0.00002; gnomAD 0.00003.
gnomAD v4.1: 18 of 1,613,380 alleles (0.0011%); highest among the groups gnomAD compares: Non-Finnish European, 0.0014%; no homozygotes.

Submissions (2):

Labcorp Genetics (formerly Invitae), Labcorp
Classification: Uncertain significance. Last evaluated: 2025-07-14. Review status: criteria provided, single submitter. Criteria: Invitae Variant Classification Sherloc (09022015). Collection method: clinical testing. Allele origin: germline.
Comment: This sequence change replaces lysine, which is basic and polar, with asparagine, which is neutral and polar, at codon 603 of the POLR3B protein (p.Lys603Asn). This variant is present in population databases (no rsID available, gnomAD 0.002%). This variant has not been reported in the literature in individuals affected with POLR3B-related conditions. ClinVar contains an entry for this variant (Variation ID: 2455877). Invitae Evidence Modeling of protein sequence and biophysical properties (such as structural, functional, and spatial information, amino acid conservation, physicochemical variation, residue mobility, and thermodynamic stability) indicates that this missense variant is not expected to disrupt POLR3B protein function with a negative predictive value of 80%. In summary, the available evidence is currently insufficient to determine the role of this variant in disease. Therefore, it has been classified as a Variant of Uncertain Significance.

Ambry Genetics
Classification: Uncertain significance for Inborn genetic diseases. Last evaluated: 2023-03-01. Review status: criteria provided, single submitter. Criteria: Ambry Variant Classification Scheme 2023. Collection method: clinical testing. Allele origin: germline.